The following is an entry in ClinVar:

ClinVar aggregate classification (germline): Likely benign. Review status: criteria provided, multiple submitters, no conflicts (2 of 4 stars). 3 submissions from 3 submitters: Likely benign (3). Last evaluated 2025-05-07.

Conditions:
Neuronal ceroid lipofuscinosis. Also called: Neuronal Ceroid Lipofuscinoses. Identifiers: Orphanet 216, Orphanet 79263, MedGen C0027877, MONDO:0016295. Disease mechanism: loss of function.

Allele frequency attached by ClinVar (database versions not stated): gnomAD 0.00001 and 0.00003; gnomAD exomes 0.00002 and 0.00004; ExAC 0.00006; TOPMed 0.00006.
gnomAD v4.1: 30 of 1,612,356 alleles (0.0019%); highest among the groups gnomAD compares: East Asian, 0.027%; no homozygotes.

Submissions (3):

Labcorp Genetics (formerly Invitae), Labcorp
Classification: Likely benign for Neuronal ceroid lipofuscinosis. Last evaluated: 2025-05-07. Review status: criteria provided, single submitter. Criteria: Invitae Variant Classification Sherloc (09022015). Collection method: clinical testing. Allele origin: germline.

Blueprint Genetics
Classification: Likely benign. Last evaluated: 2024-10-16. Review status: criteria provided, single submitter. Criteria: ACMG Guidelines, 2015. Collection method: clinical testing. Allele origin: germline.

GeneDx
Classification: Likely benign. Last evaluated: 2015-11-10. Review status: criteria provided, single submitter. Criteria: GeneDx Variant Classification (06012015). Collection method: clinical testing. Allele origin: germline. Affected: yes.
Comment: This variant is considered likely benign or benign based on one or more of the following criteria: it is a conservative change, it occurs at a poorly conserved position in the protein, it is predicted to be benign by multiple in silico algorithms, and/or has population frequency not consistent with disease.

NM_025219.3(DNAJC5):c.321+14G>A

Gene: DNAJC5 (DnaJ heat shock protein family (Hsp40) member C5; plus strand). Cytogenetic location: 20q13.33.
Variant type: single nucleotide variant.
Coding change: c.321+14G>A on transcript NM_025219.3 (MANE Select); 14 bases into the intron after coding-DNA position 321, G replaced by A.
Molecular consequence: intron variant.
Genome position (GRCh38, 1-based): chr20:63,929,539, G>A. VCF-style: chr20-63929539-G-A. GRCh37 (hg19) VCF-style: chr20-62560892-G-A.
Identifiers: ClinVar variation 381508 (VCV000381508.10), dbSNP rs367766641, ClinGen allele CA9969693.